The following is an entry in ClinVar:

ClinVar aggregate classification (germline): Likely benign. Review status: criteria provided, multiple submitters, no conflicts (2 of 4 stars). 4 submissions from 4 submitters: Likely benign (3). 1 of the submissions does not count toward it. Last evaluated 2026-05-01.

Conditions:
KCNA1-related disorder. Also called: KCNA1-related disorders; KCNA1-related condition.
Episodic ataxia type 1 (EA1). Also called: ATAXIA, EPISODIC, WITH MYOKYMIA; Episodic ataxia/myokymia syndrome; MYOKYMIA WITH PERIODIC ATAXIA; PAROXYSMAL ATAXIA WITH NEUROMYOTONIA, HEREDITARY. Identifiers: Orphanet 37612, Orphanet 972, MedGen C1719788, MONDO:0008047, OMIM 160120.

Allele frequency attached by ClinVar (database versions not stated): gnomAD 0.00001 and 0.00002; gnomAD exomes 0.00003 and 0.00004; TOPMed 0.00003; ExAC 0.00005; ESP Exome Variant Server 0.00008.

Submissions (4):

CeGaT Center for Human Genetics Tuebingen
Classification: Likely benign. Last evaluated: 2026-05-01. Review status: criteria provided, single submitter. Criteria: CeGaT Center For Human Genetics Tuebingen Variant Classification Criteria Version 2. Collection method: clinical testing. Allele origin: germline. Affected: yes. Observed: 3 variant alleles.
Comment: KCNA1: BP4, BP7

Labcorp Genetics (formerly Invitae), Labcorp
Classification: Likely benign for Episodic ataxia type 1. Last evaluated: 2025-08-10. Review status: criteria provided, single submitter. Criteria: Invitae Variant Classification Sherloc (09022015). Collection method: clinical testing. Allele origin: germline.

Blueprint Genetics
Classification: Likely benign. Last evaluated: 2024-02-08. Review status: criteria provided, single submitter. Criteria: ACMG Guidelines, 2015. Collection method: clinical testing. Allele origin: germline.

PreventionGenetics, part of Exact Sciences
Classification: Likely benign for KCNA1-related condition. Last evaluated: 2019-06-26. Review status: no assertion criteria provided. Collection method: clinical testing. Allele origin: germline. Not counted in ClinVar's aggregate classification.
Comment: This variant is classified as likely benign based on ACMG/AMP sequence variant interpretation guidelines (Richards et al. 2015 PMID: 25741868, with internal and published modifications).

NM_000217.3(KCNA1):c.1015C>T (p.Leu339=)

Gene: KCNA1 (potassium voltage-gated channel subfamily A member 1; plus strand). Cytogenetic location: 12p13.32.
Variant type: single nucleotide variant.
Coding change: c.1015C>T on transcript NM_000217.3 (MANE Select); coding-DNA position 1015, C replaced by T.
Protein change: p.Leu339=; no amino-acid change (leucine 339 retained).
Molecular consequence: synonymous variant.
Genome position (GRCh38, 1-based): chr12:4,912,393, C>T. VCF-style: chr12-4912393-C-T. GRCh37 (hg19) VCF-style: chr12-5021559-C-T.
Other names: c.1015C>T (NM_000217.2).
Identifiers: ClinVar variation 1112154 (VCV001112154.34), dbSNP rs372832102, ClinGen allele CA6399458.
Genomic context (GRCh38, chr12:4,912,393, plus strand): 5'-CTCAAAGCTAGTATGAGAGAGCTAGGGCTGCTCATCTTTTTCCTCTTCATCGGGGTCATC[C>T]TGTTTTCTAGTGCAGTGTACTTTGCCGAGGCGGAAGAAGCTGAGTCGCACTTCTCCAGTA-3'
Protein context (NP_000208.2, residues 329-349): LIFFLFIGVI[Leu339=]FSSAVYFAEA